The following is an entry in ClinVar:

ClinVar aggregate classification (germline): Pathogenic/Likely pathogenic. Review status: criteria provided, multiple submitters, no conflicts (2 of 4 stars). 2 submissions from 2 submitters: Pathogenic (1); Likely pathogenic (1). Last evaluated 2025-10-21.

Conditions:
Osteogenesis imperfecta type 7 (OI7). Also called: OSTEOGENESIS IMPERFECTA, TYPE IIB; Osteogenesis imperfecta type 2B; OI type 2B; Osteogenesis imperfecta, perinatal lethal autosomal recessive; OI type IIB; OI type 7. Identifiers: MedGen C1853162, MONDO:0012536, OMIM 610682.

Submissions (2):

Labcorp Genetics (formerly Invitae), Labcorp
Classification: Pathogenic for Osteogenesis imperfecta type 7. Last evaluated: 2025-10-21. Review status: criteria provided, single submitter. Criteria: Invitae Variant Classification Sherloc (09022015). Collection method: clinical testing. Allele origin: germline.
Comment: This sequence change creates a premature translational stop signal (p.Arg107Profs*53) in the CRTAP gene. It is expected to result in an absent or disrupted protein product. Loss-of-function variants in CRTAP are known to be pathogenic (PMID: 17055431, 19862557, 24715559). This variant is not present in population databases (gnomAD no frequency). This variant has not been reported in the literature in individuals affected with CRTAP-related conditions. For these reasons, this variant has been classified as Pathogenic.

Fulgent Genetics
Classification: Likely pathogenic for Osteogenesis imperfecta type 7. Last evaluated: 2024-05-02. Review status: criteria provided, single submitter. Criteria: ACMG Guidelines, 2015. Collection method: clinical testing. Allele origin: germline.

Literature cited by the submitters: PubMed 17055431 (cited by Labcorp Genetics (formerly Invitae), Labcorp); PubMed 19862557 (cited by Labcorp Genetics (formerly Invitae), Labcorp); PubMed 24715559 (cited by Labcorp Genetics (formerly Invitae), Labcorp).

NM_006371.5(CRTAP):c.320_321del (p.Arg107fs)

Gene: CRTAP (cartilage associated protein; plus strand). Cytogenetic location: 3p22.3.
Variant type: Microsatellite.
Coding change: c.320_321del on transcript NM_006371.5 (MANE Select); coding-DNA positions 320 to 321, 2 bases deleted (GC; older notation c.320_321delGC).
Protein change: p.Arg107fs; shifts the reading frame from arginine 107.
Molecular consequence: frameshift variant.
Genome position (GRCh38, 1-based): chr3:33,114,397-33,114,398, GC deleted; deleting any 2 consecutive bases within chr3:33,114,395-33,114,398 gives the same sequence; the c. name uses the placement nearest the transcript's 3' end. VCF-style (leftmost placement, unchanged base first): chr3-33114394-TGC-T. GRCh37 (hg19) VCF-style: chr3-33155886-TGC-T.
Other names: c.320_321delGC (NM_006371.4); short protein forms R107fs.
Identifiers: ClinVar variation 660744 (VCV000660744.7), dbSNP rs768626850, ClinGen allele CA2300244.